The following is an entry in ClinVar:

ClinVar aggregate classification (germline): Uncertain significance. Review status: criteria provided, multiple submitters, no conflicts (2 of 4 stars). 2 submissions from 2 submitters: Uncertain significance (2). Last evaluated 2024-02-24.

Conditions:
Cerebroretinal microangiopathy with calcifications and cysts 1 (CRMCC1). Identifiers: Orphanet 313838, MedGen C4552029, MONDO:0024564, OMIM 612199.
Dyskeratosis congenita. Identifiers: Orphanet 1775, MedGen C0265965, MONDO:0015780.

Allele frequency attached by ClinVar (database versions not stated): gnomAD exomes below 0.00001; TOPMed below 0.00001; gnomAD 0.00001.
gnomAD v4.1: 13 of 1,609,918 alleles (0.00081%); highest among the groups gnomAD compares: South Asian, 0.0044%; 1 homozygote.

Submissions (2):

Labcorp Genetics (formerly Invitae), Labcorp
Classification: Uncertain significance for Dyskeratosis congenita. Last evaluated: 2024-02-24. Review status: criteria provided, single submitter. Criteria: Invitae Variant Classification Sherloc (09022015). Collection method: clinical testing. Allele origin: germline.
Comment: This sequence change replaces proline, which is neutral and non-polar, with serine, which is neutral and polar, at codon 9 of the CTC1 protein (p.Pro9Ser). This variant is present in population databases (no rsID available, gnomAD 0.004%). This variant has not been reported in the literature in individuals affected with CTC1-related conditions. ClinVar contains an entry for this variant (Variation ID: 581122). Algorithms developed to predict the effect of missense changes on protein structure and function output the following: SIFT: "Not Available"; PolyPhen-2: "Benign"; Align-GVGD: "Not Available". The serine amino acid residue is found in multiple mammalian species, which suggests that this missense change does not adversely affect protein function. In summary, the available evidence is currently insufficient to determine the role of this variant in disease. Therefore, it has been classified as a Variant of Uncertain Significance.

Fulgent Genetics
Classification: Uncertain significance for Cerebroretinal microangiopathy with calcifications and cysts 1. Last evaluated: 2024-01-11. Review status: criteria provided, single submitter. Criteria: ACMG Guidelines, 2015. Collection method: clinical testing. Allele origin: germline.

NM_025099.6(CTC1):c.25C>T (p.Pro9Ser)

Genes: PFAS (phosphoribosylformylglycinamidine synthase; plus strand), CTC1 (CST telomere replication complex component 1; minus strand). Cytogenetic location: 17p13.1.
Variant type: single nucleotide variant.
Coding change: c.25C>T on transcript NM_025099.6 (MANE Select); coding-DNA position 25, C replaced by T.
Protein change: p.Pro9Ser; replaces proline 9 with serine.
Molecular consequence: missense variant. On other transcripts: non-coding transcript variant (1).
Genome position (GRCh38, 1-based): chr17:8,248,012, G>A on the plus strand (C>T on the coding strand, the complement: CTC1 is on the minus strand). VCF-style: chr17-8248012-G-A. GRCh37 (hg19) VCF-style: chr17-8151330-G-A.
Other names: short protein forms P9S.
Identifiers: ClinVar variation 581122 (VCV000581122.10), dbSNP rs1034774367, ClinGen allele CA287546653.
Genomic context (GRCh38, chr17:8,248,012, plus strand): 5'-TATCTGTGACAAACAAGAAAAAAGGAACAAGAGACGTAATAGCAGCACTCACGGAGGAAG[G>A]GACCTGGGCCCGGCCAGCCGCCATGATGCGCCGGAGCTCCGCCCCCGGGAGGGGCAGGTG-3'
Protein context (NP_079375.3, residues 1-19): MAAGRAQV[Pro9Ser]SSEQAWLEDA